The following is an entry in ClinVar:

ClinVar aggregate classification (germline): Likely pathogenic (1 of 4 stars; one submission).

Conditions:
Telangiectasia, hereditary hemorrhagic, type 2 (HHT2). Also called: Telangiectasia, hereditary hemorrhagic, type II; ACVRL1-Related Hereditary Hemorrhagic Telangiectasia. Identifiers: Orphanet 774, MedGen C1838163, MONDO:0010880, OMIM 600376. Disease mechanism: loss of function.

Submission:

NIHR Bioresource Rare Diseases, University of Cambridge
Classification: Likely pathogenic for Telangiectasia, hereditary hemorrhagic, type 2. Last evaluated: 2018-01-01. Review status: criteria provided, single submitter. Criteria: ACMG Guidelines, 2015. Collection method: research. Allele origin: unknown. Affected: yes. Observed: 1 variant allele.
Comment: PM2+ PM1+PP4

Literature cited by the submitters: PubMed 32573726.

NM_000020.3(ACVRL1):c.916_917insTCA (p.Ala306delinsValThr)

Gene: ACVRL1 (activin A receptor like type 1; plus strand). Cytogenetic location: 12q13.13.
Variant type: Insertion.
Coding change: c.916_917insTCA on transcript NM_000020.3 (MANE Select); coding-DNA positions 916 to 917, TCA inserted.
Protein change: p.Ala306delinsValThr.
Molecular consequence: inframe indel.
Genome position: GRCh38 VCF-style: chr12-51915368-G-GTCA. GRCh37 (hg19) VCF-style: chr12-52309152-G-GTCA.
Other names: c.916_917insTCA, p.Ala306delinsValThr (NM_001077401.2).
Identifiers: ClinVar variation 982490 (VCV000982490.1), dbSNP rs1940807412, ClinGen allele CA1139662701.